The following is an entry in ClinVar:

ClinVar aggregate classification (germline): Uncertain significance. Review status: criteria provided, multiple submitters, no conflicts (2 of 4 stars). 3 submissions from 3 submitters: Uncertain significance (3). Last evaluated 2025-08-27.

Conditions:
Autosomal dominant Alport syndrome (ATS3A). Also called: Alport syndrome dominant type; Renal failure and sensorineural hearing loss; ALPORT SYNDROME 3A, AUTOSOMAL DOMINANT. Identifiers: Orphanet 63, Orphanet 88918, MedGen C5882663, MONDO:0007086, OMIM 104200.
Hematuria, benign familial, 2 (BFH2). Identifiers: MedGen C5830421, MONDO:0958186, OMIM 620320.
Alport syndrome 3b, autosomal recessive. Identifiers: MedGen C5882699, MONDO:0957811, OMIM 620536.
Alport syndrome. Also called: Hemorrhagic familial nephritis; Hemorrhagic hereditary nephritis; Congenital hereditary hematuria. Identifiers: Orphanet 63, MedGen C1567741, MONDO:0018965.

gnomAD v4.1: 35 of 1,613,044 alleles (0.0022%); highest among the groups gnomAD compares: Non-Finnish European, 0.003%; no homozygotes.

Submissions (3):

Labcorp Genetics (formerly Invitae), Labcorp
Classification: Uncertain significance. Last evaluated: 2025-08-27. Review status: criteria provided, single submitter. Criteria: Invitae Variant Classification Sherloc (09022015). Collection method: clinical testing. Allele origin: germline.
Comment: This sequence change replaces glycine, which is neutral and non-polar, with cysteine, which is neutral and slightly polar, at codon 1061 of the COL4A3 protein (p.Gly1061Cys). This variant is present in population databases (no rsID available, gnomAD 0.0009%). This variant has not been reported in the literature in individuals affected with COL4A3-related conditions. ClinVar contains an entry for this variant (Variation ID: 3586090). Invitae Evidence Modeling of protein sequence and biophysical properties (such as structural, functional, and spatial information, amino acid conservation, physicochemical variation, residue mobility, and thermodynamic stability) has been performed for this missense variant. However, the output from this modeling did not meet the statistical confidence thresholds required to predict the impact of this variant on COL4A3 protein function. In summary, the available evidence is currently insufficient to determine the role of this variant in disease. Therefore, it has been classified as a Variant of Uncertain Significance.

Fulgent Genetics
Classification: Uncertain significance for Autosomal dominant Alport syndrome; Hematuria, benign familial, 2; Alport syndrome 3b, autosomal recessive. Last evaluated: 2024-04-26. Review status: criteria provided, single submitter. Criteria: ACMG Guidelines, 2015. Collection method: clinical testing. Allele origin: germline.

Department of Pathology and Laboratory Medicine, Sinai Health System
Classification: Uncertain significance for Alport syndrome. Last evaluated: 2023-02-07. Review status: criteria provided, single submitter. Criteria: ACMG Guidelines, 2015. Collection method: research. Allele origin: germline.

NM_000091.5(COL4A3):c.3181G>T (p.Gly1061Cys)

Genes: COL4A3 (collagen type IV alpha 3 chain; plus strand), MFF-DT (MFF divergent transcript; minus strand). Cytogenetic location: 2q36.3.
Variant type: single nucleotide variant.
Coding change: c.3181G>T on transcript NM_000091.5 (MANE Select); coding-DNA position 3181, G replaced by T.
Protein change: p.Gly1061Cys; replaces glycine 1061 with cysteine.
Molecular consequence: missense variant.
Genome position (GRCh38, 1-based): chr2:227,290,857, G>T. VCF-style: chr2-227290857-G-T. GRCh37 (hg19) VCF-style: chr2-228155573-G-T.
Other names: short protein forms G1061C.
Identifiers: ClinVar variation 3586090 (VCV003586090.3).